The following is an entry in ClinVar:

ClinVar aggregate classification (germline): Uncertain significance (1 of 4 stars; one submission).

gnomAD v4.1: 5 of 1,551,864 alleles (0.00032%); highest among the groups gnomAD compares: Non-Finnish European, 0.00044%; no homozygotes.

Submission:

Labcorp Genetics (formerly Invitae), Labcorp
Classification: Uncertain significance. Last evaluated: 2022-08-16. Review status: criteria provided, single submitter. Criteria: Invitae Variant Classification Sherloc (09022015). Collection method: clinical testing. Allele origin: germline.
Comment: In summary, the available evidence is currently insufficient to determine the role of this variant in disease. Therefore, it has been classified as a Variant of Uncertain Significance. This sequence change replaces valine, which is neutral and non-polar, with leucine, which is neutral and non-polar, at codon 362 of the DTHD1 protein (p.Val362Leu). This variant is present in population databases (no rsID available, gnomAD 0.003%). This variant has not been reported in the literature in individuals affected with DTHD1-related conditions. ClinVar contains an entry for this variant (Variation ID: 834613). Algorithms developed to predict the effect of missense changes on protein structure and function are either unavailable or do not agree on the potential impact of this missense change (SIFT: "Tolerated"; PolyPhen-2: "Possibly Damaging"; Align-GVGD: "Class C0").

NM_001170700.3(DTHD1):c.1954G>C (p.Val652Leu)

Gene: DTHD1 (death domain containing 1; plus strand). Cytogenetic location: 4p14.
Variant type: single nucleotide variant.
Coding change: c.1954G>C on transcript NM_001170700.3 (MANE Select); coding-DNA position 1954, G replaced by C.
Protein change: p.Val652Leu; replaces valine 652 with leucine.
Molecular consequence: missense variant. On other transcripts: non-coding transcript variant (2).
Genome position (GRCh38, 1-based): chr4:36,308,352, G>C. VCF-style: chr4-36308352-G-C. GRCh37 (hg19) VCF-style: chr4-36309974-G-C.
Other names: c.1084G>C, p.Val362Leu (NM_001136536.5); c.1021G>C, p.Val341Leu (NM_001378435.1); short protein forms V341L, V652L, V362L.
Identifiers: ClinVar variation 834613 (VCV000834613.9), dbSNP rs1185556863, ClinGen allele CA356680980.
Genomic context (GRCh38, chr4:36,308,352, plus strand): 5'-ACTGCCTGCATAGTACTGTCTCACCAGAAGGACAATCCACATAGAATAGCTGTTTTAGTG[G>C]TGCCTTCCAAAGATTTAAGCCAGGTGCTTAAGGACCTGCACTTGGAAGGGTTTGGAGGAC-3'
Protein context (NP_001164171.2, residues 642-662): DNPHRIAVLV[Val652Leu]PSKDLSQVLK